The following is an entry in ClinVar:

ClinVar aggregate classification (germline): Uncertain significance. Review status: criteria provided, multiple submitters, no conflicts (2 of 4 stars). 4 submissions from 4 submitters: Uncertain significance (4). Last evaluated 2024-04-30.

Conditions:
Vanishing white matter disease. Also called: CACH syndrome; Childhood ataxia with diffuse central nervous system hypomyelination; Leukoencephalopathy with vanishing white matter; CACH/VWM syndrome; Cree leukoencehalopathy. Identifiers: Orphanet 135, Orphanet 99853, MedGen C1858991, MONDO:0800448.

Allele frequency attached by ClinVar (database versions not stated): gnomAD exomes 0.00019 and 0.00021; ExAC 0.00023; gnomAD 0.00024 and 0.00025; TOPMed 0.00026; 1000 Genomes Project 30x 0.00078; 1000 Genomes Project 0.00100.
gnomAD v4.1: 335 of 1,603,834 alleles (0.021%); highest among the groups gnomAD compares: African/African-American, 0.042%; 1 homozygote.

Submissions (4):

Mayo Clinic Laboratories, Mayo Clinic
Classification: Uncertain significance. Last evaluated: 2024-04-30. Review status: criteria provided, single submitter. Criteria: ACMG Guidelines, 2015. Collection method: clinical testing. Allele origin: germline. Observed: 1 variant allele.

Labcorp Genetics (formerly Invitae), Labcorp
Classification: Uncertain significance. Last evaluated: 2022-08-09. Review status: criteria provided, single submitter. Criteria: Invitae Variant Classification Sherloc (09022015). Collection method: clinical testing. Allele origin: germline.
Comment: This sequence change replaces lysine, which is basic and polar, with glutamic acid, which is acidic and polar, at codon 148 of the EIF2B3 protein (p.Lys148Glu). The frequency data for this variant in the population databases is considered unreliable, as metrics indicate poor data quality at this position in the gnomAD database. This variant has not been reported in the literature in individuals affected with EIF2B3-related conditions. ClinVar contains an entry for this variant (Variation ID: 1032836). Algorithms developed to predict the effect of missense changes on protein structure and function are either unavailable or do not agree on the potential impact of this missense change (SIFT: "Deleterious"; PolyPhen-2: "Benign"; Align-GVGD: "Class C55"). In summary, the available evidence is currently insufficient to determine the role of this variant in disease. Therefore, it has been classified as a Variant of Uncertain Significance.

Baylor Genetics
Classification: Uncertain significance for Leukoencephalopathy with vanishing white matter 1. Last evaluated: 2018-12-28. Review status: criteria provided, single submitter. Criteria: ACMG Guidelines, 2015. Collection method: clinical testing. Allele origin: unknown. Affected: yes.
Comment: This variant was determined to be of uncertain significance according to ACMG Guidelines, 2015 [PMID:25741868].

Breakthrough Genomics
Classification: Uncertain significance. Review status: criteria provided, single submitter. Criteria: ACMG Guidelines, 2015. Collection method: not provided. Allele origin: germline. Inheritance: Autosomal recessive inheritance. Affected: yes.

NM_020365.5(EIF2B3):c.442A>G (p.Lys148Glu)

Gene: EIF2B3 (eukaryotic translation initiation factor 2B subunit gamma; minus strand). Cytogenetic location: 1p34.1.
Variant type: single nucleotide variant.
Coding change: c.442A>G on transcript NM_020365.5 (MANE Select); coding-DNA position 442, A replaced by G.
Protein change: p.Lys148Glu; replaces lysine 148 with glutamic acid.
Molecular consequence: missense variant.
Genome position (GRCh38, 1-based): chr1:44,941,518, T>C on the plus strand (A>G on the coding strand, the complement: EIF2B3 is on the minus strand). VCF-style: chr1-44941518-T-C. GRCh37 (hg19) VCF-style: chr1-45407190-T-C.
Other names: p.Lys148Glu; c.442A>G, p.Lys148Glu (NM_001166588.3, NM_001261418.2); short protein forms K148E.
Identifiers: ClinVar variation 1032836 (VCV001032836.6), dbSNP rs151056457, ClinGen allele CA824027.